The following is an entry in ClinVar:

NM_000059.4(BRCA2):c.5190T>G (p.Asn1730Lys)

Gene: BRCA2 (BRCA2 DNA repair associated; plus strand). Cytogenetic location: 13q13.1.
Variant type: single nucleotide variant.
Coding change: c.5190T>G on transcript NM_000059.4 (MANE Select); coding-DNA position 5190, T replaced by G.
Protein change: p.Asn1730Lys; replaces asparagine 1730 with lysine.
Molecular consequence: missense variant. On other transcripts: non-coding transcript variant (1), intron variant (2).
Genome position (GRCh38, 1-based): chr13:32,339,545, T>G. VCF-style: chr13-32339545-T-G. GRCh37 (hg19) VCF-style: chr13-32913682-T-G.
Other names: c.5190T>G, p.Asn1730Lys (NM_001406719.1, NM_001406720.1, NM_001432077.1); c.1910-5013T>G (NM_001406721.1); c.425-5013T>G (NM_001406722.1); short protein forms N1730K.
Identifiers: ClinVar variation 3636489 (VCV003636489.2).

ClinVar aggregate classification (germline): Uncertain significance (1 of 4 stars; one submission).

Conditions:
Hereditary breast ovarian cancer syndrome. Also called: Hereditary breast and ovarian cancer syndrome; Hereditary breast and ovarian cancer syndrome (HBOC); BRCA1- and BRCA2-Associated Hereditary Breast and Ovarian Cancer; Hereditary breast and ovarian cancer; Breast and ovarian cancer; Hereditary breast and/or ovarian cancer syndrome. Identifiers: Orphanet 145, MedGen C0677776, MeSH D061325, MONDO:0003582. Disease mechanism: loss of function.

Submission:

Labcorp Genetics (formerly Invitae), Labcorp
Classification: Uncertain significance for Hereditary breast ovarian cancer syndrome. Last evaluated: 2024-02-29. Review status: criteria provided, single submitter. Criteria: Invitae Variant Classification Sherloc (09022015). Collection method: clinical testing. Allele origin: germline.
Comment: This sequence change replaces asparagine, which is neutral and polar, with lysine, which is basic and polar, at codon 1730 of the BRCA2 protein (p.Asn1730Lys). This variant is not present in population databases (gnomAD no frequency). This variant has not been reported in the literature in individuals affected with BRCA2-related conditions. Advanced modeling of protein sequence and biophysical properties (such as structural, functional, and spatial information, amino acid conservation, physicochemical variation, residue mobility, and thermodynamic stability) performed at Invitae indicates that this missense variant is not expected to disrupt BRCA2 protein function with a negative predictive value of 95%. In summary, the available evidence is currently insufficient to determine the role of this variant in disease. Therefore, it has been classified as a Variant of Uncertain Significance.